The following is an entry in ClinVar:

NM_003873.7(NRP1):c.73+5G>A

Gene: NRP1 (neuropilin 1; minus strand). Cytogenetic location: 10p11.22.
Variant type: single nucleotide variant.
Coding change: c.73+5G>A on transcript NM_003873.7 (MANE Select); 5 bases into the intron after coding-DNA position 73, G replaced by A.
Molecular consequence: intron variant.
Genome position (GRCh38, 1-based): chr10:33,334,305, C>T on the plus strand (G>A on the coding strand, the complement: NRP1 is on the minus strand). VCF-style: chr10-33334305-C-T. GRCh37 (hg19) VCF-style: chr10-33623233-C-T.
Other names: c.73+5G>A (NM_001244973.2, NM_001244972.2, NM_001330068.2 and 2 more transcripts).
Identifiers: ClinVar variation 3349419 (VCV003349419.1).
Genomic context (GRCh38, chr10:33,334,305, plus strand): 5'-CGGTCCGGGGCGGGCAGCTGGGAGCCGGGGCGCCGCTGTCACCCGCGCCTCTGCCTGTCA[C>T]TTACCGTTGCGAAAAGCGCCGGCCGGGGCGAGGACGAGGGCGAGCACGGCGCAGAGGAGC-3'

ClinVar aggregate classification (germline): Uncertain significance (0 of 4 stars; one submission).

Conditions:
NRP1-related disorder. Also called: NRP1-related condition.

gnomAD v4.1: 1 of 1,541,404 alleles (0.000065%); highest among the groups gnomAD compares: Non-Finnish European, 0.000087%; no homozygotes.

Submission:

PreventionGenetics, part of Exact Sciences
Classification: Uncertain significance for NRP1-related condition. Last evaluated: 2023-11-30. Review status: no assertion criteria provided. Collection method: clinical testing. Allele origin: germline.
Comment: The NRP1 c.73+5G>A variant is predicted to interfere with splicing. This variant is predicted to weaken the neighboring canonical splice donor site based on prediction algorithms (Alamut Visual Plus). To our knowledge, this variant has not been reported in the literature or in a large population database, indicating this variant is rare. At this time, the clinical significance of this variant is uncertain due to the absence of conclusive functional and genetic evidence.